The following is an entry in ClinVar:

ClinVar aggregate classification (germline): Uncertain significance. Review status: criteria provided, multiple submitters, no conflicts (2 of 4 stars). 3 submissions from 3 submitters: Uncertain significance (3). Last evaluated 2026-02-06.

Conditions:
Hereditary cancer-predisposing syndrome. Also called: Hereditary neoplastic syndrome; Neoplastic Syndromes, Hereditary; Hereditary Cancer Syndrome; Tumor predisposition. Identifiers: Orphanet 140162, MedGen C0027672, MeSH D009386, MONDO:0015356.
Familial adenomatous polyposis 1 (FAP1). Also called: FAMILIAL ADENOMATOUS POLYPOSIS 1, ATTENUATED; POLYPOSIS, ADENOMATOUS INTESTINAL. Identifiers: MedGen C2713442, MONDO:0021056, OMIM 175100. Disease mechanism: loss of function.
Desmoid disease, hereditary (DESMD). Also called: FIBROMATOSIS, FAMILIAL INFILTRATIVE. Identifiers: Orphanet 873, MedGen C1851124, OMIM 135290. Disease mechanism: loss of function.
Colorectal cancer. Also called: Colorectal cancer, somatic; Malignant Colorectal Neoplasm. Identifiers: MedGen C0346629, MONDO:0005575, OMIM 114500.
Gastric adenocarcinoma and proximal polyposis of the stomach (GAPPS). Also called: POLYPOSIS, GASTRIC; Polyposis, gastric, Dos Santos and de Magalhaes 1980; Gastric Adenocarcinoma and Proximal Polyposis of the Stomach (GAPPS). Identifiers: Orphanet 314022, MedGen C4749917, MONDO:0017790, OMIM 619182.
Hepatocellular carcinoma (HCC). Also called: HEPATOMA; LIVER CELL CARCINOMA; Primary carcinoma of liver. Identifiers: Orphanet 88673, MedGen C2239176, MONDO:0007256, OMIM 114550, HP:0001402.
Gastric cancer. Also called: Stomach cancer; Malignant tumor of stomach. Identifiers: MedGen C0024623, MeSH D013274, MONDO:0001056, OMIM 613659, HP:0012126.

Submissions (3):

Ambry Genetics
Classification: Uncertain significance for Hereditary cancer-predisposing syndrome. Last evaluated: 2026-02-06. Review status: criteria provided, single submitter. Criteria: Ambry Variant Classification Scheme 2023. Collection method: clinical testing. Allele origin: germline.
Comment: The p.N1763D variant (also known as c.5287A>G), located in coding exon 15 of the APC gene, results from an A to G substitution at nucleotide position 5287. The asparagine at codon 1763 is replaced by aspartic acid, an amino acid with highly similar properties. This amino acid position is not well conserved in available vertebrate species. Missense variants in APC are not a common cause of disease (Spier I et al. Genet Med. 2024 Feb;26(2):100992). Based on the available evidence, the clinical significance of this variant remains unclear.

Fulgent Genetics
Classification: Uncertain significance for Colorectal cancer; Hepatocellular carcinoma; Desmoid disease, hereditary; Familial adenomatous polyposis 1; Gastric cancer; Gastric adenocarcinoma and proximal polyposis of the stomach. Last evaluated: 2024-04-22. Review status: criteria provided, single submitter. Criteria: ACMG Guidelines, 2015. Collection method: clinical testing. Allele origin: germline.

Labcorp Genetics (formerly Invitae), Labcorp
Classification: Uncertain significance for Familial adenomatous polyposis 1. Last evaluated: 2019-05-29. Review status: criteria provided, single submitter. Criteria: Invitae Variant Classification Sherloc (09022015). Collection method: clinical testing. Allele origin: germline.
Comment: This sequence change replaces asparagine with aspartic acid at codon 1763 of the APC protein (p.Asn1763Asp). The asparagine residue is moderately conserved and there is a small physicochemical difference between asparagine and aspartic acid. This variant is not present in population databases (ExAC no frequency). This variant has not been reported in the literature in individuals with APC-related conditions. Algorithms developed to predict the effect of missense changes on protein structure and function (SIFT, PolyPhen-2, Align-GVGD) all suggest that this variant is likely to be tolerated, but these predictions have not been confirmed by published functional studies and their clinical significance is uncertain. Algorithms developed to predict the effect of sequence changes on RNA splicing suggest that this variant may create or strengthen a splice site, but this prediction has not been confirmed by published transcriptional studies. In summary, the available evidence is currently insufficient to determine the role of this variant in disease. Therefore, it has been classified as a Variant of Uncertain Significance.

NM_000038.6(APC):c.5287A>G (p.Asn1763Asp)

Gene: APC (APC regulator of Wnt signaling pathway; plus strand). Cytogenetic location: 5q22.2.
Variant type: single nucleotide variant.
Coding change: c.5287A>G on transcript NM_000038.6 (MANE Select); coding-DNA position 5287, A replaced by G.
Protein change: p.Asn1763Asp; replaces asparagine 1763 with aspartic acid.
Molecular consequence: missense variant.
Genome position (GRCh38, 1-based): chr5:112,840,881, A>G. VCF-style: chr5-112840881-A-G. GRCh37 (hg19) VCF-style: chr5-112176578-A-G.
Other names: c.5287A>G, p.Asn1763Asp (NM_001127510.3, NM_001354895.2); c.5233A>G, p.Asn1745Asp (NM_001127511.3); c.5341A>G, p.Asn1781Asp (NM_001354896.2); c.5317A>G, p.Asn1773Asp (NM_001354897.2); c.5212A>G, p.Asn1738Asp (NM_001354898.2); c.5203A>G, p.Asn1735Asp (NM_001354899.2); c.5164A>G, p.Asn1722Asp (NM_001354900.2); c.5110A>G, p.Asn1704Asp (NM_001354901.2); and 5 more; short protein forms N1480D, N1722D, N1662D, N1672D, N1738D, N1763D, N1735D, N1745D.
Identifiers: ClinVar variation 944980 (VCV000944980.14), dbSNP rs1440736149, ClinGen allele CA16032887.